The following is an entry in ClinVar:

ClinVar aggregate classification (germline): Uncertain significance (1 of 4 stars; one submission).

gnomAD v4.1: 1 of 1,613,338 alleles (0.000062%); highest among the groups gnomAD compares: Non-Finnish European, 0.000085%; no homozygotes.

Submission:

Mayo Clinic Laboratories, Mayo Clinic
Classification: Uncertain significance. Last evaluated: 2025-03-05. Review status: criteria provided, single submitter. Criteria: ACMG Guidelines, 2015. Collection method: clinical testing. Allele origin: germline. Observed: 1 variant allele.
Comment: PM2_supporting

NM_000426.4(LAMA2):c.6344C>A (p.Pro2115His)

Gene: LAMA2 (laminin subunit alpha 2; plus strand). Cytogenetic location: 6q22.33.
Variant type: single nucleotide variant.
Coding change: c.6344C>A on transcript NM_000426.4 (MANE Select); coding-DNA position 6344, C replaced by A.
Protein change: p.Pro2115His; replaces proline 2115 with histidine.
Molecular consequence: missense variant.
Genome position (GRCh38, 1-based): chr6:129,445,736, C>A. VCF-style: chr6-129445736-C-A. GRCh37 (hg19) VCF-style: chr6-129766881-C-A.
Other names: p.Pro2115His; c.6344C>A, p.Pro2115His (NM_001079823.2); short protein forms P2115H.
Identifiers: ClinVar variation 4541218 (VCV004541218.1).
Genomic context (GRCh38, chr6:129,445,736, plus strand): 5'-CAGATGCCACTGTCAAAAATTTAGAACAGGAAGCTGACCGGCTAATAGATAAACTCAAAC[C>A]CATCAAGGAACTTGAGGATAACCTAAAGAAAAACATCTCTGAGATAAAGGAATTGATAAA-3'
Protein context (NP_000417.3, residues 2105-2125): EADRLIDKLK[Pro2115His]IKELEDNLKK